The following is an entry in ClinVar:

NM_015570.4(AUTS2):c.1606C>T (p.Gln536Ter)

Gene: AUTS2 (activator of transcription and developmental regulator AUTS2; plus strand). Cytogenetic location: 7q11.22.
Variant type: single nucleotide variant.
Coding change: c.1606C>T on transcript NM_015570.4 (MANE Select); coding-DNA position 1606, C replaced by T.
Protein change: p.Gln536Ter; replaces glutamine 536 with a stop codon.
Molecular consequence: nonsense.
Genome position (GRCh38, 1-based): chr7:70,766,251, C>T. VCF-style: chr7-70766251-C-T. GRCh37 (hg19) VCF-style: chr7-70231237-C-T.
Other names: p.Gln536Ter; c.1606C>T, p.Gln536Ter (NM_001127231.3); short protein forms Q536*.
Identifiers: ClinVar variation 3255573 (VCV003255573.2).
Genomic context (GRCh38, chr7:70,766,251, plus strand): 5'-CCTCCGCCCTACCTGCGGACCGAGTTCCATCAGCACCAGCACCAGCACCAGCACACCCAC[C>T]AGCACACGCACCAGCACACCTTCACGCCGTTCCCCCACGCCATCCCACCCACCGCCATCA-3'

ClinVar aggregate classification (germline): Likely pathogenic (1 of 4 stars; one submission).

Conditions:
Autism spectrum disorder due to AUTS2 deficiency (MRD26). Also called: INTELLECTUAL DEVELOPMENTAL DISORDER, AUTOSOMAL DOMINANT 26. Identifiers: Orphanet 352490, MedGen C4014435, MONDO:0014361, OMIM 615834.

Submission:

Breakthrough Genomics
Classification: Likely pathogenic for Autism spectrum disorder due to AUTS2 deficiency. Last evaluated: 2021-11-17. Review status: criteria provided, single submitter. Criteria: ACMG Guidelines, 2015. Collection method: clinical testing. Allele origin: germline. Affected: yes.
Comment: This variant seems to be a novel variant, as it has not been previously reported in population databases or in the literature. However, several other truncating variants lying downstream of the variant, have been previously reported as pathogenic/likely pathogenicin the ClinVar database context of mental retardation, autosomal dominant 26.